The following is an entry in ClinVar:

NM_014241.4(HACD1):c.76C>T (p.Leu26Phe)

Genes: HACD1 (3-hydroxyacyl-CoA dehydratase 1; minus strand), LOC130003454 (ATAC-STARR-seq lymphoblastoid silent region 2183; plus strand). Cytogenetic location: 10p12.33.
Variant type: single nucleotide variant.
Coding change: c.76C>T on transcript NM_014241.4 (MANE Select); coding-DNA position 76, C replaced by T.
Protein change: p.Leu26Phe; replaces leucine 26 with phenylalanine.
Molecular consequence: missense variant.
Genome position (GRCh38, 1-based): chr10:17,617,264, G>A on the plus strand (C>T on the coding strand, the complement: HACD1 is on the minus strand). VCF-style: chr10-17617264-G-A. GRCh37 (hg19) VCF-style: chr10-17659263-G-A.
Other names: short protein forms L26F.
Identifiers: ClinVar variation 1938975 (VCV001938975.5), dbSNP rs1833106024, ClinGen allele CA376209182.

ClinVar aggregate classification (germline): Uncertain significance (1 of 4 stars; one submission).

Submission:

Labcorp Genetics (formerly Invitae), Labcorp
Classification: Uncertain significance. Last evaluated: 2022-06-27. Review status: criteria provided, single submitter. Criteria: Invitae Variant Classification Sherloc (09022015). Collection method: clinical testing. Allele origin: germline.
Comment: This variant has not been reported in the literature in individuals affected with HACD1-related conditions. This variant is not present in population databases (gnomAD no frequency). This sequence change replaces leucine, which is neutral and non-polar, with phenylalanine, which is neutral and non-polar, at codon 26 of the HACD1 protein (p.Leu26Phe). In summary, the available evidence is currently insufficient to determine the role of this variant in disease. Therefore, it has been classified as a Variant of Uncertain Significance. Algorithms developed to predict the effect of missense changes on protein structure and function (SIFT, PolyPhen-2, Align-GVGD) all suggest that this variant is likely to be tolerated.